The following is an entry in ClinVar:

NM_001379200.1(TBX1):c.187GCC[5] (p.Ala66dup)

Gene: TBX1 (T-box transcription factor 1; plus strand). Cytogenetic location: 22q11.21.
Variant type: Microsatellite.
Coding change: c.187GCC[5] on transcript NM_001379200.1 (MANE Select); five copies in a row of the 3-base unit GCC starting at c.187; the reference has four copies in a row; one copy, 3 bases duplicated.
Protein change: p.Ala66dup; duplicates alanine 66.
Molecular consequence: inframe insertion.
Genome position (GRCh38, 1-based): chr22:19,761,039-19,761,041, GCC duplicated; duplicating any 3 consecutive bases within chr22:19,761,029-19,761,041 gives the same sequence; the position shown is the placement nearest the transcript's 3' end. VCF-style (leftmost placement, unchanged base first): chr22-19761028-G-GCGC. GRCh37 (hg19) VCF-style: chr22-19748551-G-GCGC.
Other names: c.160GCC[5], p.Ala57dup (NM_005992.1, NM_080646.2, NM_080647.1).
Identifiers: ClinVar variation 1379020 (VCV001379020.8), dbSNP rs1032291296, ClinGen allele CA322051982.

ClinVar aggregate classification (germline): Uncertain significance (1 of 4 stars; one submission).

Conditions:
DiGeorge syndrome. Also called: THIRD AND FOURTH PHARYNGEAL POUCH SYNDROME; Catch22. Identifiers: Orphanet 567, MedGen C0012236, MONDO:0008564, OMIM 188400.

Submission:

Labcorp Genetics (formerly Invitae), Labcorp
Classification: Uncertain significance for DiGeorge syndrome. Last evaluated: 2025-05-27. Review status: criteria provided, single submitter. Criteria: Invitae Variant Classification Sherloc (09022015). Collection method: clinical testing. Allele origin: germline.
Comment: This variant, c.169_171dup, results in the insertion of 1 amino acid(s) of the TBX1 protein (p.Ala57dup), but otherwise preserves the integrity of the reading frame. The frequency data for this variant in the population databases is considered unreliable, as metrics indicate insufficient coverage at this position in the gnomAD database. This variant has not been reported in the literature in individuals affected with TBX1-related conditions. Experimental studies and prediction algorithms are not available or were not evaluated, and the functional significance of this variant is currently unknown. In summary, the available evidence is currently insufficient to determine the role of this variant in disease. Therefore, it has been classified as a Variant of Uncertain Significance.